The following is an entry in ClinVar:

ClinVar aggregate classification (germline): Uncertain significance. Review status: criteria provided, multiple submitters, no conflicts (2 of 4 stars). 3 submissions from 3 submitters: Uncertain significance (3). Last evaluated 2025-11-04.

Conditions:
Hereditary cancer-predisposing syndrome. Also called: Tumor predisposition; Hereditary Cancer Syndrome; Neoplastic Syndromes, Hereditary; Hereditary neoplastic syndrome. Identifiers: Orphanet 140162, MedGen C0027672, MeSH D009386, MONDO:0015356.
Familial melanoma. Also called: Hereditary melanoma; Hereditary cutaneous melanoma. Identifiers: Orphanet 618, MedGen C1512419, MONDO:0018961.

gnomAD v4.1: 2 of 1,612,826 alleles (0.00012%); highest among the groups gnomAD compares: Non-Finnish European, 0.00017%; no homozygotes.

Submissions (3):

Ambry Genetics
Classification: Uncertain significance for Hereditary cancer-predisposing syndrome. Last evaluated: 2025-11-04. Review status: criteria provided, single submitter. Criteria: Ambry Variant Classification Scheme 2023. Collection method: clinical testing. Allele origin: germline.
Comment: The p.A34V variant (also known as c.101C>T), located in coding exon 1 of the CDKN2A gene, results from a C to T substitution at nucleotide position 101. The alanine at codon 34 is replaced by valine, an amino acid with similar properties. This variant has been identified individually and in conjunction with a pathogenic CDKN2A mutation in an Austrian melanoma cohort (Burgstaller-Muehlbacher S et al. Melanoma Res., 2015 Oct;25:412-20; M&uuml;ller C et al. Br. J. Dermatol., 2016 Jun;174:1308-17). This amino acid position is not well conserved in available vertebrate species. In addition, the in silico prediction for this alteration is inconclusive. Based on the available evidence, the clinical significance of this variant remains unclear.

Labcorp Genetics (formerly Invitae), Labcorp
Classification: Uncertain significance for Familial melanoma. Last evaluated: 2024-11-19. Review status: criteria provided, single submitter. Criteria: Invitae Variant Classification Sherloc (09022015). Collection method: clinical testing. Allele origin: germline.
Comment: This sequence change replaces alanine, which is neutral and non-polar, with valine, which is neutral and non-polar, at codon 34 of the CDKN2A (p16INK4a) protein (p.Ala34Val). This variant is not present in population databases (gnomAD no frequency). This missense change has been observed in individual(s) with melanoma (PMID: 26225579, 26800492). ClinVar contains an entry for this variant (Variation ID: 483329). An algorithm developed to predict the effect of missense changes on protein structure and function outputs the following: PolyPhen-2: "Benign". The valine amino acid residue is found in multiple mammalian species, which suggests that this missense change does not adversely affect protein function. In summary, the available evidence is currently insufficient to determine the role of this variant in disease. Therefore, it has been classified as a Variant of Uncertain Significance.

GeneDx
Classification: Uncertain significance. Last evaluated: 2024-04-03. Review status: criteria provided, single submitter. Criteria: GeneDx Variant Classification Process June 2021. Collection method: clinical testing. Allele origin: germline. Affected: yes.
Comment: Not observed at significant frequency in large population cohorts (gnomAD); In silico analysis supports that this missense variant does not alter protein structure/function; This variant is associated with the following publications: (PMID: 19690981, 26225579, 24569790, 34711012, 26800492)

Literature cited by the submitters: PubMed 19690981 (cited by Ambry Genetics); PubMed 24569790 (cited by Ambry Genetics); PubMed 26225579 (cited by Ambry Genetics and Labcorp Genetics (formerly Invitae), Labcorp); PubMed 26800492 (cited by Ambry Genetics and Labcorp Genetics (formerly Invitae), Labcorp).

NM_000077.5(CDKN2A):c.101C>T (p.Ala34Val)

Gene: CDKN2A (cyclin dependent kinase inhibitor 2A; minus strand). Cytogenetic location: 9p21.3.
Variant type: single nucleotide variant.
Coding change: c.101C>T on transcript NM_000077.5; coding-DNA position 101, C replaced by T.
Protein change: p.Ala34Val; replaces alanine 34 with valine.
Molecular consequence: missense variant (on NM_000077.6). On other transcripts: intron variant (2).
Genome position (GRCh38, 1-based): chr9:21,974,727, G>A on the plus strand (C>T on the coding strand, the complement: CDKN2A is on the minus strand). VCF-style: chr9-21974727-G-A. GRCh37 (hg19) VCF-style: chr9-21974726-G-A.
Other names: c.101C>T, p.Ala34Val (NM_000077.6, NM_001195132.2, NM_058197.5); c.-3-3519C>T (NM_001363763.2); c.194-3519C>T (NM_058195.4); short protein forms A34V.
Identifiers: ClinVar variation 483329 (VCV000483329.16), dbSNP rs1554656344, ClinGen allele CA373086561.
Genomic context (GRCh38, chr9:21,974,727, plus strand): 5'-CCTCTACCCACCTGGATCGGCCTCCGACCGTAACTATTCGGTGCGTTGGGCAGCGCCCCC[G>A]CCTCCAGCAGCGCCCGCACCTCCTCTACCCGACCCCGGGCCGCGGCCGTGGCCAGCCAGT-3'
Protein context (NP_000068.1, residues 24-44): RVEEVRALLE[Ala34Val]GALPNAPNSY